The following is an entry in ClinVar:

NM_001003841.3(SLC6A19):c.41G>A (p.Arg14Gln)

Gene: SLC6A19 (solute carrier family 6 member 19; plus strand). Cytogenetic location: 5p15.33.
Variant type: single nucleotide variant.
Coding change: c.41G>A on transcript NM_001003841.3 (MANE Select); coding-DNA position 41, G replaced by A.
Protein change: p.Arg14Gln; replaces arginine 14 with glutamine.
Molecular consequence: missense variant.
Genome position (GRCh38, 1-based): chr5:1,201,691, G>A. VCF-style: chr5-1201691-G-A. GRCh37 (hg19) VCF-style: chr5-1201806-G-A.
Other names: p.Arg14Gln; short protein forms R14Q.
Identifiers: ClinVar variation 445301 (VCV000445301.13), dbSNP rs147458082, ClinGen allele CA3182542.

ClinVar aggregate classification (germline): Benign/Likely benign. Review status: criteria provided, multiple submitters, no conflicts (2 of 4 stars). 3 submissions from 3 submitters: Benign (2); Likely benign (1). Last evaluated 2026-01-28.

Allele frequency attached by ClinVar (database versions not stated): ESP Exome Variant Server 0.00031; gnomAD 0.00128 and 0.00182; TOPMed 0.00208; ExAC 0.00405; 1000 Genomes Project 30x 0.00859; 1000 Genomes Project 0.00938.

Submissions (3):

Labcorp Genetics (formerly Invitae), Labcorp
Classification: Benign. Last evaluated: 2026-01-28. Review status: criteria provided, single submitter. Criteria: Invitae Variant Classification Sherloc (09022015). Collection method: clinical testing. Allele origin: germline.

Mayo Clinic Laboratories, Mayo Clinic
Classification: Benign. Last evaluated: 2025-08-07. Review status: criteria provided, single submitter. Criteria: ACMG Guidelines, 2015. Collection method: clinical testing. Allele origin: germline. Observed: 1 variant allele.
Comment: BA1

Center for Pediatric Genomic Medicine, Children's Mercy Hospital and Clinics
Classification: Likely benign. Last evaluated: 2017-08-08. Review status: criteria provided, single submitter. Criteria: ACMG Guidelines, 2015. Collection method: clinical testing. Allele origin: germline.